The following is an entry in ClinVar:

ClinVar aggregate classification (germline): Likely pathogenic. Review status: criteria provided, multiple submitters, no conflicts (2 of 4 stars). 2 submissions from 2 submitters: Likely pathogenic (2). Last evaluated 2024-01-09.

Conditions:
Hereditary cancer-predisposing syndrome. Also called: Neoplastic Syndromes, Hereditary; Tumor predisposition; Hereditary Cancer Syndrome; Hereditary neoplastic syndrome. Identifiers: Orphanet 140162, MedGen C0027672, MeSH D009386, MONDO:0015356.
BAP1-related tumor predisposition syndrome (TPDS1). Also called: Tumor susceptibility linked to germline BAP1 mutations; BAP1 tumor predisposition syndrome; COMMON Syndrome; TUMOR PREDISPOSITION SYNDROME 1. Identifiers: Orphanet 289539, MedGen C3280492, MONDO:0013692, OMIM 614327.

Submissions (2):

Myriad Genetics, Inc.
Classification: Likely pathogenic for BAP1-related tumor predisposition syndrome. Last evaluated: 2024-01-09. Review status: criteria provided, single submitter. Criteria: Myriad Autosomal Dominant, Autosomal Recessive and X-Linked Classification Criteria (2023). Collection method: clinical testing. Allele origin: unknown.
Comment: This variant is considered likely pathogenic. This variant is located within the gene translation start codon (p.Met1?) and is predicted to result in abnormal protein translation.

Ambry Genetics
Classification: Likely pathogenic for Hereditary cancer-predisposing syndrome. Last evaluated: 2022-06-13. Review status: criteria provided, single submitter. Criteria: Ambry Variant Classification Scheme 2023. Collection method: clinical testing. Allele origin: germline.
Comment: The p.M1? variant (also known as c.1A>T) is located in coding exon 1 of the BAP1 gene and results from an A to T substitution at nucleotide position 1. This alters the methionine residue at the initiation codon (ATG). This amino acid region is well conserved in available vertebrate species. Sequence variations that modify the initiation codon are expected to result in either loss of translation initiation, N-terminal truncation, or cause a shift in the mRNA reading frame. Based on the majority of available evidence to date, this variant is likely to be pathogenic.

Literature cited by the submitters: PubMed 30477459 (cited by Ambry Genetics).

NM_004656.4(BAP1):c.1A>T (p.Met1Leu)

Gene: BAP1 (BRCA1 associated deubiquitinase 1; minus strand). Cytogenetic location: 3p21.1.
Variant type: single nucleotide variant.
Coding change: c.1A>T on transcript NM_004656.4 (MANE Select); coding-DNA position 1, A replaced by T.
Protein change: p.Met1Leu; changes the start codon (methionine 1).
Molecular consequence: missense variant, initiator codon variant.
Genome position (GRCh38, 1-based): chr3:52,409,878, T>A on the plus strand (A>T on the coding strand, the complement: BAP1 is on the minus strand). VCF-style: chr3-52409878-T-A. GRCh37 (hg19) VCF-style: chr3-52443894-T-A.
Other names: c.1A>T, p.Met1Leu (NM_001410772.1); short protein forms M1L.
Identifiers: ClinVar variation 1784178 (VCV001784178.3), dbSNP rs2153228694, ClinGen allele CA353115193.